The following is an entry in ClinVar:

NM_000273.3(GPR143):c.396G>A (p.Trp132Ter)

Gene: GPR143 (G protein-coupled receptor 143; minus strand). Cytogenetic location: Xp22.2.
Variant type: single nucleotide variant.
Coding change: c.396G>A on transcript NM_000273.3 (MANE Select); coding-DNA position 396, G replaced by A.
Protein change: p.Trp132Ter; replaces tryptophan 132 with a stop codon.
Molecular consequence: nonsense.
Genome position (GRCh38, 1-based): chrX:9,759,391, C>T on the plus strand (G>A on the coding strand, the complement: GPR143 is on the minus strand). VCF-style: chrX-9759391-C-T. GRCh37 (hg19) VCF-style: chrX-9727431-C-T.
Other names: short protein forms W132*.
Identifiers: ClinVar variation 2016604 (VCV002016604.4), dbSNP rs148358078, ClinGen allele CA411998927.

ClinVar aggregate classification (germline): Pathogenic (1 of 4 stars; one submission).

Submission:

Labcorp Genetics (formerly Invitae), Labcorp
Classification: Pathogenic. Last evaluated: 2022-07-13. Review status: criteria provided, single submitter. Criteria: Invitae Variant Classification Sherloc (09022015). Collection method: clinical testing. Allele origin: germline.
Comment: For these reasons, this variant has been classified as Pathogenic. This variant has not been reported in the literature in individuals affected with GPR143-related conditions. This variant is not present in population databases (gnomAD no frequency). This sequence change creates a premature translational stop signal (p.Trp132*) in the GPR143 gene. It is expected to result in an absent or disrupted protein product. Loss-of-function variants in GPR143 are known to be pathogenic (PMID: 15965158, 18978956, 19390656, 21541274, 26160353, 28211458).

Literature cited by the submitters: PubMed 15965158; PubMed 18978956; PubMed 19390656; PubMed 21541274; PubMed 26160353; PubMed 28211458.